The following is an entry in ClinVar:

ClinVar aggregate classification (germline): Pathogenic. Review status: criteria provided, single submitter (1 of 4 stars). 2 submissions from 2 submitters: Pathogenic (1). 1 of the submissions does not count toward it.

Conditions:
Hereditary spastic paraplegia 3A (SPG3A). Also called: SPG3; STRUMPELL DISEASE; SPASTIC PARAPLEGIA 3, AUTOSOMAL DOMINANT; FAMILIAL SPASTIC PARAPLEGIA, AUTOSOMAL DOMINANT, 1; Spastic Paraplegia 3A; Spastic paraplegia 3A, autosomal dominant. Identifiers: Orphanet 100984, MedGen C2931355, MONDO:0008437, OMIM 182600.

Submissions (2):

HUSP Clinical Genetics Laboratory, Hospital Universitario San Pedro De Logroño (HUSP)
Classification: Pathogenic for Hereditary spastic paraplegia 3A. Review status: criteria provided, single submitter. Criteria: ACMG Guidelines, 2015. Collection method: clinical testing. Allele origin: maternal. Inheritance: Autosomal dominant inheritance. Affected: yes. Observed: 2 variant alleles.
Comment: It results in an amino acid substitution in the predicted protein (p.Asn440Thr). This variant is not detected in general population and has been published in July 2023 as uncertain significance in ClinVar. In silico tools predict that this variant affects the function of the protein and label it as pathogenic. Pathogenic variants in ATL1 have been associated with Spastic Paraplegia 3 (OMIM: 182600), with autosomal dominant inheritance.

Inherited Neuropathy Consortium Ii, University Of Miami
Classification: Uncertain significance for Hereditary spastic paraplegia 3A. Last evaluated: 2016-01-06. Review status: no assertion criteria provided. Collection method: literature only. Allele origin: germline. Affected: yes. Not counted in ClinVar's aggregate classification.

Literature cited by the submitters: PubMed 10739752 (cited by Inherited Neuropathy Consortium Ii, University Of Miami).

NM_015915.5(ATL1):c.1319A>C (p.Asn440Thr)

Gene: ATL1 (atlastin GTPase 1; plus strand). Cytogenetic location: 14q22.1.
Variant type: single nucleotide variant.
Coding change: c.1319A>C on transcript NM_015915.5 (MANE Select); coding-DNA position 1319, A replaced by C.
Protein change: p.Asn440Thr; replaces asparagine 440 with threonine.
Molecular consequence: missense variant.
Genome position (GRCh38, 1-based): chr14:50,628,230, A>C. VCF-style: chr14-50628230-A-C. GRCh37 (hg19) VCF-style: chr14-51094948-A-C.
Other names: c.1319A>C, p.Asn440Thr (NM_001127713.1, NM_181598.4); short protein forms N440T.
Identifiers: ClinVar variation 2571515 (VCV002571515.2), dbSNP rs2504577780, ClinGen allele CA389676031.
Genomic context (GRCh38, chr14:50,628,230, plus strand): 5'-AGTTGGAGAGTGAAATAGATGAACTTTACATCCAATATATCAAGCACAATGATAGCAAAA[A>C]TATCTTCCATGCAGCTCGTACCCCAGCCACACTGTTTGTAGTCATCTTTATCACATATGT-3'
Protein context (NP_056999.2, residues 430-450): IQYIKHNDSK[Asn440Thr]IFHAARTPAT